The following is an entry in ClinVar:

NM_018847.4(KLHL9):c.319A>G (p.Ile107Val)

Gene: KLHL9 (kelch like family member 9; minus strand). Cytogenetic location: 9p21.3.
Variant type: single nucleotide variant.
Coding change: c.319A>G on transcript NM_018847.4 (MANE Select); coding-DNA position 319, A replaced by G.
Protein change: p.Ile107Val; replaces isoleucine 107 with valine.
Molecular consequence: missense variant.
Genome position (GRCh38, 1-based): chr9:21,334,541, T>C on the plus strand (A>G on the coding strand, the complement: KLHL9 is on the minus strand). VCF-style: chr9-21334541-T-C. GRCh37 (hg19) VCF-style: chr9-21334540-T-C.
Other names: c.319A>G (NM_018847.3, NM_018847.2); short protein forms I107V.
Identifiers: ClinVar variation 1942350 (VCV001942350.7), dbSNP rs563969449, ClinGen allele CA5010669.

ClinVar aggregate classification (germline): Uncertain significance. Review status: criteria provided, multiple submitters, no conflicts (2 of 4 stars). 3 submissions from 3 submitters: Uncertain significance (3). Last evaluated 2025-09-19.

Allele frequency attached by ClinVar (database versions not stated): gnomAD 0.00001; gnomAD exomes 0.00002; ExAC 0.00003; TOPMed 0.00003; 1000 Genomes Project 30x 0.00016; 1000 Genomes Project 0.00020.
gnomAD v4.1: 26 of 1,614,206 alleles (0.0016%); highest among the groups gnomAD compares: South Asian, 0.012%; no homozygotes.

Submissions (3):

Athena Diagnostics
Classification: Uncertain significance. Last evaluated: 2025-09-19. Review status: criteria provided, single submitter. Criteria: Athena Diagnostics Criteria. Collection method: clinical testing. Allele origin: unknown.
Comment: Available data are insufficient to determine the clinical significance of the variant at this time. The frequency of this variant in the general population is uninformative in assessment of its pathogenicity. Polyphen and MutationTaster yielded discordant predictions regarding whether this amino acid change is damaging to the protein.

Labcorp Genetics (formerly Invitae), Labcorp
Classification: Uncertain significance. Last evaluated: 2024-11-20. Review status: criteria provided, single submitter. Criteria: Invitae Variant Classification Sherloc (09022015). Collection method: clinical testing. Allele origin: germline.
Comment: This sequence change replaces isoleucine, which is neutral and non-polar, with valine, which is neutral and non-polar, at codon 107 of the KLHL9 protein (p.Ile107Val). This variant is present in population databases (rs563969449, gnomAD 0.01%). This variant has not been reported in the literature in individuals affected with KLHL9-related conditions. ClinVar contains an entry for this variant (Variation ID: 1942350). Invitae Evidence Modeling of protein sequence and biophysical properties (such as structural, functional, and spatial information, amino acid conservation, physicochemical variation, residue mobility, and thermodynamic stability) indicates that this missense variant is not expected to disrupt KLHL9 protein function with a negative predictive value of 80%. In summary, the available evidence is currently insufficient to determine the role of this variant in disease. Therefore, it has been classified as a Variant of Uncertain Significance.

Ambry Genetics
Classification: Uncertain significance. Last evaluated: 2024-03-28. Review status: criteria provided, single submitter. Criteria: Ambry Variant Classification Scheme 2023. Collection method: clinical testing. Allele origin: germline.